The following is an entry in ClinVar:

NM_002335.4(LRP5):c.1401C>T (p.His467=)

Gene: LRP5 (LDL receptor related protein 5; plus strand). Cytogenetic location: 11q13.2.
Variant type: single nucleotide variant.
Coding change: c.1401C>T on transcript NM_002335.4 (MANE Select); coding-DNA position 1401, C replaced by T.
Protein change: p.His467=; no amino-acid change (histidine 467 retained).
Molecular consequence: synonymous variant. On other transcripts: 5 prime UTR variant (1).
Genome position (GRCh38, 1-based): chr11:68,386,701, C>T. VCF-style: chr11-68386701-C-T. GRCh37 (hg19) VCF-style: chr11-68154169-C-T.
Other names: c.-365C>T (NM_001291902.2); c.1401C>T (NM_002335.3).
Identifiers: ClinVar variation 1922318 (VCV001922318.7), dbSNP rs113518978, ClinGen allele CA6149321.

ClinVar aggregate classification (germline): Likely benign. Review status: criteria provided, multiple submitters, no conflicts (2 of 4 stars). 3 submissions from 3 submitters: Likely benign (2). 1 of the submissions does not count toward it. Last evaluated 2025-08-03.

Conditions:
LRP5-related disorder. Also called: LRP5-related condition.

Allele frequency attached by ClinVar (database versions not stated): TOPMed 0.00003; ESP Exome Variant Server 0.00008; gnomAD 0.00001.

Submissions (3):

Labcorp Genetics (formerly Invitae), Labcorp
Classification: Likely benign. Last evaluated: 2025-08-03. Review status: criteria provided, single submitter. Criteria: Invitae Variant Classification Sherloc (09022015). Collection method: clinical testing. Allele origin: germline.

Blueprint Genetics
Classification: Likely benign. Last evaluated: 2023-09-06. Review status: criteria provided, single submitter. Criteria: ACMG Guidelines, 2015. Collection method: clinical testing. Allele origin: germline.

PreventionGenetics, part of Exact Sciences
Classification: Likely benign for LRP5-related condition. Last evaluated: 2024-06-24. Review status: no assertion criteria provided. Collection method: clinical testing. Allele origin: germline. Not counted in ClinVar's aggregate classification.
Comment: This variant is classified as likely benign based on ACMG/AMP sequence variant interpretation guidelines (Richards et al. 2015 PMID: 25741868, with internal and published modifications).